The following is an entry in ClinVar:

ClinVar aggregate classification (germline): Uncertain significance (1 of 4 stars; one submission).

Conditions:
MYCN-related disorder. Also called: MYCN-related condition.

Submission:

PreventionGenetics, part of Exact Sciences
Classification: Uncertain significance for MYCN-related condition. Last evaluated: 2025-07-08. Review status: criteria provided, single submitter. Criteria: ACMG Guidelines, 2015. Collection method: clinical testing. Allele origin: germline.
Comment: The MYCN c.401T>G variant is predicted to result in the amino acid substitution p.Leu134Arg. To our knowledge, this variant has not been reported in the literature or in a large population database (gnomAD), indicating this variant is rare. At this time, the clinical significance of this variant is uncertain due to the absence of conclusive functional and genetic evidence.

NM_005378.6(MYCN):c.401T>G (p.Leu134Arg)

Gene: MYCN (MYCN proto-oncogene, bHLH transcription factor; plus strand). Cytogenetic location: 2p24.3.
Variant type: single nucleotide variant.
Coding change: c.401T>G on transcript NM_005378.6 (MANE Select); coding-DNA position 401, T replaced by G.
Protein change: p.Leu134Arg; replaces leucine 134 with arginine.
Molecular consequence: missense variant. On other transcripts: 3 prime UTR variant (1), intron variant (1).
Genome position (GRCh38, 1-based): chr2:15,942,465, T>G. VCF-style: chr2-15942465-T-G. GRCh37 (hg19) VCF-style: chr2-16082587-T-G.
Other names: c.401T>G, p.Leu134Arg (NM_001293228.2); c.*336T>G (NM_001293233.2); c.157+1722T>G (NM_001293231.2); short protein forms L134R.
Identifiers: ClinVar variation 5000121 (VCV005000121.1).